The following continues an entry in ClinVar:

NM_000051.4(ATM):c.1027_1030del (p.Glu343fs)

Gene: ATM. ClinVar aggregate classification (germline): Pathogenic. Pathogenic (16).

Submissions 14 to 20 of 20:

Women's Health and Genetics/Laboratory Corporation of America, LabCorp
Classification: Pathogenic for Ataxia-telangiectasia syndrome. Last evaluated: 2016-05-09. Review status: criteria provided, single submitter. Criteria: LabCorp Variant Classification Summary - May 2015. Collection method: clinical testing. Allele origin: germline.
Comment: Variant summary: The ATM c.1027_1030delGAAA (p.Glu343Ilefs) variant results in a premature termination codon, predicted to cause a truncated or absent ATM protein due to nonsense mediated decay, which are commonly known mechanisms for disease. Truncations downstream of this position have been classified as pathogenic by our laboratory (e.g. p.Trp393X, p.Gln1017X, p.Arg1466X). One in silico tool predicts a damaging outcome for this variant. This variant is absent in 121026 control chromosomes but has been reported in numerous affected individuals in the literature. In addition, multiple clinical diagnostic laboratories/reputable databases classified this variant as pathogenic. Taken together, this variant is classified as pathogenic.

Vantari Genetics
Classification: Pathogenic for Hereditary cancer-predisposing syndrome. Last evaluated: 2015-10-26. Review status: criteria provided, single submitter. Criteria: ACMG Guidelines, 2015. Collection method: clinical testing. Allele origin: germline.

Genesis Genomics
Classification: Pathogenic for Familial cancer of breast. Review status: criteria provided, single submitter. Criteria: ACMG Guidelines, 2015. Collection method: clinical testing. Allele origin: germline. Affected: yes. Observed: 1 variant allele.

PreventionGenetics, part of Exact Sciences
Classification: Pathogenic for ATM-related condition. Last evaluated: 2024-07-11. Review status: no assertion criteria provided. Collection method: clinical testing. Allele origin: germline. Not counted in ClinVar's aggregate classification.
Comment: The ATM c.1027_1030delGAAA variant is predicted to result in a frameshift and premature protein termination (p.Glu343Ilefs*2). This variant has previously been reported to be causative for autosomal recessive ataxia telangiectasia (see for example, Teraoka et al. 1999. PubMed ID: 10330348, reported as 1024del; Verhagen et al. 2009. PubMed ID: 19535770). This variant is also reported as pathogenic in an individual with adenocarcinoma of the gastroesophageal junction (Table 1. El Jabbour et al. 2022. PubMed ID: 35078243). This variant is reported in 0.050% of alleles in individuals of Ashkenazi Jewish descent in gnomAD and is interpreted as likely pathogenic/pathogenic in ClinVar. Frameshift variants in ATM are expected to be pathogenic. This variant is interpreted as pathogenic.

Counsyl
Classification: Likely pathogenic for Ataxia-telangiectasia syndrome. Last evaluated: 2014-03-10. Review status: no assertion criteria provided. Collection method: literature only. Allele origin: unknown. Inheritance: Autosomal recessive inheritance. Not counted in ClinVar's aggregate classification.

Genome Diagnostics Laboratory, Amsterdam University Medical Center
Classification: Pathogenic. Review status: no assertion criteria provided. Collection method: clinical testing. Allele origin: germline. Affected: yes. Study: VKGL Data-share Consensus. Not counted in ClinVar's aggregate classification.

Genome Diagnostics Laboratory, University Medical Center Utrecht
Classification: Pathogenic. Review status: no assertion criteria provided. Collection method: clinical testing. Allele origin: germline. Affected: yes. Study: VKGL Data-share Consensus. Not counted in ClinVar's aggregate classification.

Literature cited by the submitters: PubMed 23807571 (cited by Labcorp Genetics (formerly Invitae), Labcorp); PubMed 25614872 (cited by Labcorp Genetics (formerly Invitae), Labcorp); PubMed 10330348 (cited by 8 submitters); PubMed 10817650 (cited by 6 submitters); PubMed 12552559 (cited by 6 submitters); PubMed 18502988 (cited by 5 submitters); PubMed 21792198 (cited by 5 submitters); PubMed 22213089 (cited by 7 submitters); PubMed 28126470 (cited by Natera, Inc.); PubMed 10425038 (cited by Ambry Genetics and Counsyl); PubMed 10873394 (cited by 4 submitters); PubMed 17985259 (cited by Ambry Genetics and Quest Diagnostics Nichols Institute San Juan Capistrano); PubMed 26270727 (cited by 4 submitters); PubMed 33471991 (cited by Color Diagnostics, LLC DBA Color Health); PubMed 29625052 (cited by Sema4 and Quest Diagnostics Nichols Institute San Juan Capistrano); PubMed 31050087 (cited by Sema4); PubMed 31871297 (cited by Quest Diagnostics Nichols Institute San Juan Capistrano); PubMed 35078243 (cited by Quest Diagnostics Nichols Institute San Juan Capistrano).